The following is an entry in ClinVar:

ClinVar aggregate classification (germline): Likely benign (1 of 4 stars; one submission).

Allele frequency attached by ClinVar (database versions not stated): TOPMed below 0.00001; ExAC 0.00006.

Submission:

CeGaT Center for Human Genetics Tuebingen
Classification: Likely benign. Last evaluated: 2026-05-01. Review status: criteria provided, single submitter. Criteria: CeGaT Center For Human Genetics Tuebingen Variant Classification Criteria Version 2. Collection method: clinical testing. Allele origin: germline. Affected: yes. Observed: 3 variant alleles.
Comment: CEL: BP4, BP7

NM_001807.6(CEL):c.1770C>T (p.Ala590=)

Gene: CEL (carboxyl ester lipase; plus strand). Cytogenetic location: 9q34.13.
Variant type: single nucleotide variant.
Coding change: c.1770C>T on transcript NM_001807.6 (MANE Select); coding-DNA position 1770, C replaced by T.
Protein change: p.Ala590=; no amino-acid change (alanine 590 retained).
Molecular consequence: synonymous variant.
Genome position (GRCh38, 1-based): chr9:133,071,272, C>T. VCF-style: chr9-133071272-C-T. GRCh37 (hg19) VCF-style: chr9-135946659-C-T.
Identifiers: ClinVar variation 3234338 (VCV003234338.20), dbSNP rs770654953, ClinGen allele CA5303535.